The following is an entry in ClinVar:

NM_001750.7(CAST):c.1200+4C>T

Gene: CAST (calpastatin; plus strand). Cytogenetic location: 5q15.
Variant type: single nucleotide variant.
Coding change: c.1200+4C>T on transcript NM_001750.7 (MANE Select); 4 bases into the intron after coding-DNA position 1200, C replaced by T.
Molecular consequence: intron variant.
Genome position (GRCh38, 1-based): chr5:96,742,760, C>T. VCF-style: chr5-96742760-C-T. GRCh37 (hg19) VCF-style: chr5-96078464-C-T.
Other names: c.912+4C>T (NM_001190442.2, NM_001330631.2); c.1143+4C>T (NM_001042441.3); c.1104+4C>T (NM_001330626.2); c.1134+4C>T (NM_001042442.3); c.1077+4C>T (NM_001042440.5, NM_001330627.2); c.1116+4C>T (NM_001330629.2); c.1089+4C>T (NM_001375317.1); c.1032+4C>T (NM_001330628.2); and 8 more.
Identifiers: ClinVar variation 1982308 (VCV001982308.4), dbSNP rs942316181, ClinGen allele CA122960563.
Genomic context (GRCh38, chr5:96,742,760, plus strand): 5'-GGCACCCGGCAAGCAGAACCTGAGCTCGACCTCCGCTCAATTAAGGAAGTCGATGAGGTA[C>T]TGACCTTAGAGTTGATTTACAAAGCTTGTTAGTCTGCACATTACAAAACCGAATGCACTC-3'

ClinVar aggregate classification (germline): Uncertain significance (1 of 4 stars; one submission).

gnomAD v4.1: 7 of 1,603,704 alleles (0.00044%); highest among the groups gnomAD compares: Non-Finnish European, 0.0006%; no homozygotes.

Submission:

Labcorp Genetics (formerly Invitae), Labcorp
Classification: Uncertain significance. Last evaluated: 2024-10-30. Review status: criteria provided, single submitter. Criteria: Invitae Variant Classification Sherloc (09022015). Collection method: clinical testing. Allele origin: germline.
Comment: This sequence change falls in intron 14 of the CAST gene. It does not directly change the encoded amino acid sequence of the CAST protein. It affects a nucleotide within the consensus splice site. This variant is present in population databases (no rsID available, gnomAD 0.0009%). This variant has not been reported in the literature in individuals affected with CAST-related conditions. ClinVar contains an entry for this variant (Variation ID: 1982308). Variants that disrupt the consensus splice site are a relatively common cause of aberrant splicing (PMID: 17576681, 9536098). Algorithms developed to predict the effect of sequence changes on RNA splicing suggest that this variant is not likely to affect RNA splicing. In summary, the available evidence is currently insufficient to determine the role of this variant in disease. Therefore, it has been classified as a Variant of Uncertain Significance.

Literature cited by the submitters: PubMed 17576681; PubMed 9536098.